The following is an entry in ClinVar:

ClinVar aggregate classification (germline): Uncertain significance. Review status: criteria provided, multiple submitters, no conflicts (2 of 4 stars). 2 submissions from 2 submitters: Uncertain significance (2). Last evaluated 2025-05-11.

Conditions:
Epidermolysis bullosa simplex 5C, with pyloric atresia (EBS5C). Also called: Epidermolysis bullosa simplex with pyloric atresia; PLEC-Related Epidermolysis Bullosa with Pyloric Atresia; PLEC1-Related Epidermolysis Bullosa with Pyloric Atresia. Identifiers: Orphanet 158684, MedGen C2677349, MONDO:0012807, OMIM 612138.
Epidermolysis bullosa simplex 5B, with muscular dystrophy (EBS5B). Also called: Epidermolysis bullosa simplex with muscular dystrophy; EPIDERMOLYSIS BULLOSA SIMPLEX AND LIMB-GIRDLE MUSCULAR DYSTROPHY. Identifiers: Orphanet 257, MedGen C2931072, MONDO:0009181, OMIM 226670.
Epidermolysis bullosa simplex, Ogna type (EBS5A). Also called: Pidermolysis bullosa simplex 5A, Ogna type; EPIDERMOLYSIS BULLOSA SIMPLEX 5A, OGNA TYPE. Identifiers: Orphanet 79401, MedGen C0432317, MONDO:0007555, OMIM 131950.
Epidermolysis bullosa simplex with nail dystrophy (EBS5D). Identifiers: MedGen C4225309, MONDO:0014661, OMIM 616487.
Autosomal recessive limb-girdle muscular dystrophy type 2Q (LGMDR17). Also called: MUSCULAR DYSTROPHY, LIMB-GIRDLE, AUTOSOMAL RECESSIVE 17. Identifiers: Orphanet 254361, MedGen C3150989, MONDO:0013390, OMIM 613723.
Inborn genetic diseases. Identifiers: MedGen C0950123, MeSH D030342.

Allele frequency attached by ClinVar (database versions not stated): gnomAD 0.00002 and 0.00005; TOPMed 0.00002; gnomAD exomes 0.00008 and 0.00014; ExAC 0.00010.
gnomAD v4.1: 118 of 1,606,320 alleles (0.0073%); highest among the groups gnomAD compares: South Asian, 0.096%; no homozygotes.

Submissions (2):

Labcorp Genetics (formerly Invitae), Labcorp
Classification: Uncertain significance for Autosomal recessive limb-girdle muscular dystrophy type 2Q; Epidermolysis bullosa simplex, Ogna type; Epidermolysis bullosa simplex with nail dystrophy; Epidermolysis bullosa simplex 5C, with pyloric atresia; Epidermolysis bullosa simplex 5B, with muscular dystrophy. Last evaluated: 2025-05-11. Review status: criteria provided, single submitter. Criteria: Invitae Variant Classification Sherloc (09022015). Collection method: clinical testing. Allele origin: germline.
Comment: This sequence change replaces arginine, which is basic and polar, with tryptophan, which is neutral and slightly polar, at codon 3045 of the PLEC protein (p.Arg3045Trp). This variant is present in population databases (rs782377244, gnomAD 0.1%). This variant has not been reported in the literature in individuals affected with PLEC-related conditions. ClinVar contains an entry for this variant (Variation ID: 654449). Invitae Evidence Modeling of protein sequence and biophysical properties (such as structural, functional, and spatial information, amino acid conservation, physicochemical variation, residue mobility, and thermodynamic stability) indicates that this missense variant is not expected to disrupt PLEC protein function with a negative predictive value of 80%. In summary, the available evidence is currently insufficient to determine the role of this variant in disease. Therefore, it has been classified as a Variant of Uncertain Significance.

Ambry Genetics
Classification: Uncertain significance for Inborn genetic diseases. Last evaluated: 2023-06-30. Review status: criteria provided, single submitter. Criteria: Ambry Variant Classification Scheme 2023. Collection method: clinical testing. Allele origin: germline.

NM_201384.3(PLEC):c.9052C>T (p.Arg3018Trp)

Gene: PLEC (plectin; minus strand). Cytogenetic location: 8q24.3.
Variant type: single nucleotide variant.
Coding change: c.9052C>T on transcript NM_201384.3 (MANE Select); coding-DNA position 9052, C replaced by T.
Protein change: p.Arg3018Trp; replaces arginine 3018 with tryptophan.
Molecular consequence: missense variant.
Genome position (GRCh38, 1-based): chr8:143,920,769, G>A on the plus strand (C>T on the coding strand, the complement: PLEC is on the minus strand). VCF-style: chr8-143920769-G-A. GRCh37 (hg19) VCF-style: chr8-144994937-G-A.
Other names: c.9133C>T (NM_000445.3); c.9133C>T, p.Arg3045Trp (NM_000445.5); c.9010C>T, p.Arg3004Trp (NM_201378.4); c.8986C>T, p.Arg2996Trp (NM_201379.3); c.9463C>T, p.Arg3155Trp (NM_201380.4); c.8956C>T, p.Arg2986Trp (NM_201381.3); c.9052C>T, p.Arg3018Trp (NM_201382.4); c.9064C>T, p.Arg3022Trp (NM_201383.3); short protein forms R2986W, R3004W, R3155W, R2996W, R3045W, R3018W, R3022W.
Identifiers: ClinVar variation 654449 (VCV000654449.8), dbSNP rs782377244, ClinGen allele CA4925095.
Genomic context (GRCh38, chr8:143,920,769, plus strand): 5'-GCTTCTGCCCCGCCTCCTCCAGCCATACACCCGCGATGACGTTGGCACCCCGGAGAGCCC[G>A]CCGCACAGTGTCCACCTCGGCTACGTCTCGCACAGAGCGCTCACCTCGCTGCAGCTGCTG-3'
Protein context (NP_958786.1, residues 3008-3028): RDVAEVDTVR[Arg3018Trp]ALRGANVIAG